The following is an entry in ClinVar:

ClinVar aggregate classification (germline): Benign (1 of 4 stars; one submission).

gnomAD v4.1: 57 of 1,614,062 alleles (0.0035%); highest among the groups gnomAD compares: Middle Eastern, 0.033%; no homozygotes.

Submission:

Athena Diagnostics
Classification: Benign. Last evaluated: 2025-03-17. Review status: criteria provided, single submitter. Criteria: Athena Diagnostics Criteria. Collection method: clinical testing. Allele origin: unknown.
Comment: The frequency of this variant in the general population is higher than would generally be expected for pathogenic variants in this gene. Computational tools yielded predictions that this variant is unlikely to have an effect on normal RNA splicing. This nucleotide position exhibits low evolutionary conservation.

NM_173500.4(TTBK2):c.3309C>T (p.Ser1103=)

Gene: TTBK2 (tau tubulin kinase 2; minus strand). Cytogenetic location: 15q15.2.
Variant type: single nucleotide variant.
Coding change: c.3309C>T on transcript NM_173500.4 (MANE Select); coding-DNA position 3309, C replaced by T.
Protein change: p.Ser1103=; no amino-acid change (serine 1103 retained).
Molecular consequence: synonymous variant.
Genome position (GRCh38, 1-based): chr15:42,746,221, G>A on the plus strand (C>T on the coding strand, the complement: TTBK2 is on the minus strand). VCF-style: chr15-42746221-G-A. GRCh37 (hg19) VCF-style: chr15-43038419-G-A.
Identifiers: ClinVar variation 4682434 (VCV004682434.1).